The following is an entry in ClinVar:

NM_016284.5(CNOT1):c.706A>G (p.Met236Val)

Gene: CNOT1 (CCR4-NOT transcription complex subunit 1; minus strand). Cytogenetic location: 16q21.
Variant type: single nucleotide variant.
Coding change: c.706A>G on transcript NM_016284.5 (MANE Select); coding-DNA position 706, A replaced by G.
Protein change: p.Met236Val; replaces methionine 236 with valine.
Molecular consequence: missense variant. On other transcripts: non-coding transcript variant (1).
Genome position (GRCh38, 1-based): chr16:58,585,438, T>C on the plus strand (A>G on the coding strand, the complement: CNOT1 is on the minus strand). VCF-style: chr16-58585438-T-C. GRCh37 (hg19) VCF-style: chr16-58619342-T-C.
Other names: c.706A>G, p.Met236Val (NM_001265612.2, NM_206999.3); short protein forms M236V.
Identifiers: ClinVar variation 1975466 (VCV001975466.5), dbSNP rs2544097142, ClinGen allele CA396154157.
Genomic context (GRCh38, chr16:58,585,438, plus strand): 5'-CCAAAGAGCTCTCCATCATGGTTTTAGCTACCCCTCCGGAATCAGGCAGGATCCTGTCCA[T>C]TAGAATGTCCCGTTTTTCAGGGTATAAAAGTGGTGCGAGCACCACGGGACAGCGTTCTTG-3'
Protein context (NP_057368.3, residues 226-246): LLYPEKRDIL[Met236Val]DRILPDSGGV

ClinVar aggregate classification (germline): Uncertain significance (1 of 4 stars; one submission).

Submission:

Labcorp Genetics (formerly Invitae), Labcorp
Classification: Uncertain significance. Last evaluated: 2022-11-01. Review status: criteria provided, single submitter. Criteria: Invitae Variant Classification Sherloc (09022015). Collection method: clinical testing. Allele origin: germline.
Comment: In summary, the available evidence is currently insufficient to determine the role of this variant in disease. Therefore, it has been classified as a Variant of Uncertain Significance. Algorithms developed to predict the effect of missense changes on protein structure and function (SIFT, PolyPhen-2, Align-GVGD) all suggest that this variant is likely to be tolerated. This variant has not been reported in the literature in individuals affected with CNOT1-related conditions. This variant is not present in population databases (gnomAD no frequency). This sequence change replaces methionine, which is neutral and non-polar, with valine, which is neutral and non-polar, at codon 236 of the CNOT1 protein (p.Met236Val).